The following is an entry in ClinVar:

NM_000719.7(CACNA1C):c.3624_3626dup (p.His1208_Gln1209insHis)

Gene: CACNA1C (calcium voltage-gated channel subunit alpha1 C; plus strand). Cytogenetic location: 12p13.33.
Variant type: Duplication.
Coding change: c.3624_3626dup on transcript NM_000719.7 (MANE Select); coding-DNA positions 3624 to 3626, 3 bases duplicated (CCA; older notation c.3624_3626dupCCA).
Protein change: p.His1208_Gln1209insHis.
Genome position (GRCh38, 1-based): chr12:2,610,606-2,610,608, CCA duplicated; duplicating any 3 consecutive bases within chr12:2,610,604-2,610,608 gives the same sequence; the c. name uses the placement nearest the transcript's 3' end. VCF-style (leftmost placement, unchanged base first): chr12-2610603-G-GCAC. GRCh37 (hg19) VCF-style: chr12-2719769-G-GCAC.
Other names: c.3684_3686dup, p.His1228_Gln1229insHis (NM_001129827.2, NM_001129832.2, NM_199460.4); c.3624_3626dup, p.His1208_Gln1209insHis (NM_001129829.2, NM_001129830.3, NM_001129831.2 and 15 more transcripts); c.3615_3617dup, p.His1205_Gln1206insHis (NM_001129844.2).
Identifiers: ClinVar variation 3377601 (VCV003377601.1).
Genomic context (GRCh38, chr12:2,610,603, plus strand): 5'-ACAGTGCGTGGAATACGCCCTCAAGGCCCGGCCCCTGCGGAGGTACATCCCCAAGAACCA[G>GCAC]CACCAGTACAAAGTGTGGTACGTGGTCAACTCCACCTACTTCGAGTACCTGATGTTCGTC-3'

ClinVar aggregate classification (germline): Uncertain significance (1 of 4 stars; one submission).

Conditions:
Neurodevelopmental disorder with hypotonia, language delay, and skeletal defects with or without seizures (NEDHLSS). Identifiers: MedGen C5774213, MONDO:0859286, OMIM 620029.

Submission:

Neuberg Centre For Genomic Medicine, NCGM
Classification: Uncertain significance for Neurodevelopmental disorder with hypotonia, language delay, and skeletal defects with or without seizures. Last evaluated: 2023-06-22. Review status: criteria provided, single submitter. Criteria: ACMG Guidelines, 2015. Collection method: clinical testing. Allele origin: germline. Inheritance: Autosomal dominant inheritance. Affected: yes.
Comment: The observed inframe insertion c.3624_3626dup (p.His1208dup) variant in CACNA1C gene has not been reported previously as a pathogenic variant nor as a benign variant, to our knowledge. The p.His1208dup variant is absent in gnomAD Exomes. This variant has not been submitted to the ClinVar database. This variant p.His1208dup causes duplication of amino acid Histidine at postion 1208. Additional functional studies will be required to prove the pathogenicity of this variant. For these reasons, this variant has been classified as a Variant of Uncertain Significance (VUS).